The following is an entry in ClinVar:

NM_018972.4(GDAP1):c.250G>T (p.Glu84Ter)

Gene: GDAP1 (ganglioside induced differentiation associated protein 1; plus strand). Cytogenetic location: 8q21.11.
Variant type: single nucleotide variant.
Coding change: c.250G>T on transcript NM_018972.4 (MANE Select); coding-DNA position 250, G replaced by T.
Protein change: p.Glu84Ter; replaces glutamic acid 84 with a stop codon.
Molecular consequence: nonsense. On other transcripts: intron variant (2).
Genome position (GRCh38, 1-based): chr8:74,351,406, G>T. VCF-style: chr8-74351406-G-T. GRCh37 (hg19) VCF-style: chr8-75263641-G-T.
Other names: c.46G>T, p.Glu16Ter (NM_001040875.4); c.250G>T, p.Glu84Ter (NM_001362930.2, NM_001362931.2); c.-18+85G>T (NM_001362929.2); c.-18+828G>T (NM_001362932.2); short protein forms E16*, E84*.
Identifiers: ClinVar variation 963756 (VCV000963756.7), dbSNP rs1808867656, ClinGen allele CA371499527.

ClinVar aggregate classification (germline): Pathogenic (1 of 4 stars; one submission).

Conditions:
Charcot-Marie-Tooth disease type 4A. Also called: Charcot-Marie-Tooth disease, demyelinating, autosomal recessive, type 4a. Identifiers: Orphanet 99948, MedGen C1859198, MONDO:0008961, OMIM 214400.

Submission:

Labcorp Genetics (formerly Invitae), Labcorp
Classification: Pathogenic for Charcot-Marie-Tooth disease type 4A. Last evaluated: 2019-08-30. Review status: criteria provided, single submitter. Criteria: Invitae Variant Classification Sherloc (09022015). Collection method: clinical testing. Allele origin: germline.
Comment: This variant is not present in population databases (ExAC no frequency). This variant has not been reported in the literature in individuals with GDAP1-related conditions. Algorithms developed to predict the effect of sequence changes on RNA splicing suggest that this variant may create or strengthen a splice site, but this prediction has not been confirmed by published transcriptional studies. Loss-of-function variants in GDAP1 are known to be pathogenic (PMID: 11743580, 20685671). For these reasons, this variant has been classified as Pathogenic. This sequence change creates a premature translational stop signal (p.Glu84*) in the GDAP1 gene. It is expected to result in an absent or disrupted protein product.

Literature cited by the submitters: PubMed 11743580; PubMed 20685671.